The following is an entry in ClinVar:

NM_182643.3(DLC1):c.3171C>T (p.Ala1057=)

Gene: DLC1 (DLC1 Rho GTPase activating protein; minus strand). Cytogenetic location: 8p22.
Variant type: single nucleotide variant.
Coding change: c.3171C>T on transcript NM_182643.3 (MANE Select); coding-DNA position 3171, C replaced by T.
Protein change: p.Ala1057=; no amino-acid change (alanine 1057 retained).
Molecular consequence: synonymous variant.
Genome position (GRCh38, 1-based): chr8:13,095,242, G>A on the plus strand (C>T on the coding strand, the complement: DLC1 is on the minus strand). VCF-style: chr8-13095242-G-A. GRCh37 (hg19) VCF-style: chr8-12952751-G-A.
Other names: c.1638C>T, p.Ala546= (NM_001164271.2, NM_001348082.2, NM_001348083.1 and 6 more transcripts); c.1962C>T, p.Ala654= (NM_001316668.2, NM_001413129.1); c.3171C>T, p.Ala1057= (NM_001348081.2, NM_001413124.1); c.1953C>T, p.Ala651= (NM_001413130.1); c.1611C>T, p.Ala537= (NM_001413131.1, NM_001413137.1); c.2097C>T, p.Ala699= (NM_001413132.1); c.1860C>T, p.Ala620= (NM_001413135.1, NM_001413136.1, NM_001413139.1 and 1 more transcripts); c.1995C>T, p.Ala665= (NM_001413140.1).
Identifiers: ClinVar variation 3044909 (VCV003044909.4), dbSNP rs138142534, ClinGen allele CA4638425.

ClinVar aggregate classification (germline): Likely benign. Review status: criteria provided, single submitter (1 of 4 stars). 2 submissions from 2 submitters: Likely benign (1). 1 of the submissions does not count toward it. Last evaluated 2025-06-12.

Conditions:
DLC1-related disorder. Also called: DLC1-related condition.

Allele frequency attached by ClinVar (database versions not stated): ExAC 0.00002; TOPMed 0.00009; gnomAD 0.00007; ESP Exome Variant Server 0.00008.
gnomAD v4.1: 31 of 1,614,072 alleles (0.0019%); highest among the groups gnomAD compares: African/African-American, 0.024%; no homozygotes.

Submissions (2):

Labcorp Genetics (formerly Invitae), Labcorp
Classification: Likely benign. Last evaluated: 2025-06-12. Review status: criteria provided, single submitter. Criteria: Invitae Variant Classification Sherloc (09022015). Collection method: clinical testing. Allele origin: germline.

PreventionGenetics, part of Exact Sciences
Classification: Likely benign for DLC1-related condition. Last evaluated: 2019-05-06. Review status: no assertion criteria provided. Collection method: clinical testing. Allele origin: germline. Not counted in ClinVar's aggregate classification.
Comment: This variant is classified as likely benign based on ACMG/AMP sequence variant interpretation guidelines (Richards et al. 2015 PMID: 25741868, with internal and published modifications).